The following is an entry in ClinVar:

ClinVar aggregate classification (germline): Benign. Review status: criteria provided, multiple submitters, no conflicts (2 of 4 stars). 4 submissions from 4 submitters: Benign (4). Last evaluated 2026-02-04.

Conditions:
Spastic paraplegia. Identifiers: MedGen C0037772, HP:0001258.

Allele frequency attached by ClinVar (database versions not stated): ExAC 0.21079; gnomAD exomes 0.21163 and 0.21282; 1000 Genomes Project 0.21306; 1000 Genomes Project 30x 0.22064; gnomAD 0.22394 and 0.22752; ESP Exome Variant Server 0.22889; TOPMed 0.23181.
gnomAD v4.1: 342,453 of 1,614,046 alleles (21%); highest among the groups gnomAD compares: Admixed American, 31%; 37,802 homozygotes.

Submissions (4):

Labcorp Genetics (formerly Invitae), Labcorp
Classification: Benign for Spastic paraplegia. Last evaluated: 2026-02-04. Review status: criteria provided, single submitter. Criteria: Invitae Variant Classification Sherloc (09022015). Collection method: clinical testing. Allele origin: germline.

Mayo Clinic Laboratories, Mayo Clinic
Classification: Benign. Last evaluated: 2018-09-25. Review status: criteria provided, single submitter. Criteria: ACMG Guidelines, 2015. Collection method: clinical testing. Allele origin: germline. Observed: 639 variant alleles.

GeneDx
Classification: Benign. Last evaluated: 2016-02-08. Review status: criteria provided, single submitter. Criteria: GeneDx Variant Classification (06012015). Collection method: clinical testing. Allele origin: germline. Affected: yes.
Comment: This variant is considered likely benign or benign based on one or more of the following criteria: it is a conservative change, it occurs at a poorly conserved position in the protein, it is predicted to be benign by multiple in silico algorithms, and/or has population frequency not consistent with disease.

Breakthrough Genomics
Classification: Benign. Review status: criteria provided, single submitter. Criteria: ACMG Guidelines, 2015. Collection method: not provided. Allele origin: germline. Inheritance: Autosomal recessive inheritance. Affected: yes.

NM_001478.5(B4GALNT1):c.666G>T (p.Leu222=)

Gene: B4GALNT1 (beta-1,4-N-acetyl-galactosaminyltransferase 1; minus strand). Cytogenetic location: 12q13.3.
Variant type: single nucleotide variant.
Coding change: c.666G>T on transcript NM_001478.5 (MANE Select); coding-DNA position 666, G replaced by T.
Protein change: p.Leu222=; no amino-acid change (leucine 222 retained).
Molecular consequence: synonymous variant.
Genome position (GRCh38, 1-based): chr12:57,630,198, C>A on the plus strand (G>T on the coding strand, the complement: B4GALNT1 is on the minus strand). VCF-style: chr12-57630198-C-A. GRCh37 (hg19) VCF-style: chr12-58023981-C-A.
Other names: p.Leu222=; c.501G>T, p.Leu167= (NM_001276468.2); c.666G>T, p.Leu222= (NM_001276469.2).
Identifiers: ClinVar variation 380770 (VCV000380770.12), dbSNP rs715930, ClinGen allele CA6655708.